The following is an entry in ClinVar:

ClinVar aggregate classification (germline): Uncertain significance. Review status: criteria provided, multiple submitters, no conflicts (2 of 4 stars). 3 submissions from 3 submitters: Uncertain significance (3). Last evaluated 2024-01-17.

Conditions:
Diarrhea 10, protein-losing enteropathy type. Identifiers: MedGen C4748579, MONDO:0032586, OMIM 618183.
Inborn genetic diseases. Identifiers: MedGen C0950123, MeSH D030342.

Allele frequency attached by ClinVar (database versions not stated): gnomAD 0.00001; gnomAD exomes 0.00002; TOPMed 0.00002; ExAC 0.00004.
gnomAD v4.1: 24 of 1,612,904 alleles (0.0015%); highest among the groups gnomAD compares: Admixed American, 0.015%; no homozygotes.

Submissions (3):

Ambry Genetics
Classification: Uncertain significance for Inborn genetic diseases. Last evaluated: 2024-01-17. Review status: criteria provided, single submitter. Criteria: Ambry Variant Classification Scheme 2023. Collection method: clinical testing. Allele origin: germline.

Labcorp Genetics (formerly Invitae), Labcorp
Classification: Uncertain significance. Last evaluated: 2022-07-01. Review status: criteria provided, single submitter. Criteria: Invitae Variant Classification Sherloc (09022015). Collection method: clinical testing. Allele origin: germline.
Comment: This sequence change replaces arginine, which is basic and polar, with tryptophan, which is neutral and slightly polar, at codon 342 of the PLVAP protein (p.Arg342Trp). This variant is present in population databases (rs771680538, gnomAD 0.02%). This variant has not been reported in the literature in individuals affected with PLVAP-related conditions. Algorithms developed to predict the effect of missense changes on protein structure and function are either unavailable or do not agree on the potential impact of this missense change (SIFT: "Deleterious"; PolyPhen-2: "Probably Damaging"; Align-GVGD: "Class C0"). In summary, the available evidence is currently insufficient to determine the role of this variant in disease. Therefore, it has been classified as a Variant of Uncertain Significance.

Neuberg Centre For Genomic Medicine, NCGM
Classification: Uncertain significance for Diarrhea 10, protein-losing enteropathy type. Review status: criteria provided, single submitter. Criteria: ACMG Guidelines, 2015. Collection method: clinical testing. Allele origin: germline. Inheritance: Autosomal recessive inheritance. Affected: yes.
Comment: The missense c.1024C>Tp.Arg342Trp variant in PLVAP gene has not been reported previously as a pathogenic variant nor a benign variant, to our knowledge. The p.Arg342Trp variant has been reported with allele frequency of 0.004% in gnomAD Exomes and is novel not in any individuals in 1000 Genomes. This variant has not been reported to the ClinVar database. The amino acid change p.Arg342Trp in PLVAP is predicted as conserved by GERP++ and PhyloP across 100 vertebrates. The amino acid Arg at position 342 is changed to a Trp changing protein sequence and it might alter its composition and physico-chemical properties. For these reasons, this variant has been classified as a Variant of Uncertain Significance VUS.

NM_031310.3(PLVAP):c.1024C>T (p.Arg342Trp)

Gene: PLVAP (plasmalemma vesicle associated protein; minus strand). Cytogenetic location: 19p13.11.
Variant type: single nucleotide variant.
Coding change: c.1024C>T on transcript NM_031310.3 (MANE Select); coding-DNA position 1024, C replaced by T.
Protein change: p.Arg342Trp; replaces arginine 342 with tryptophan.
Molecular consequence: missense variant.
Genome position (GRCh38, 1-based): chr19:17,365,441, G>A on the plus strand (C>T on the coding strand, the complement: PLVAP is on the minus strand). VCF-style: chr19-17365441-G-A. GRCh37 (hg19) VCF-style: chr19-17476250-G-A.
Other names: c.1024C>T (NM_031310.1); short protein forms R342W.
Identifiers: ClinVar variation 2165325 (VCV002165325.3), dbSNP rs771680538, ClinGen allele CA9293902.